The following is an entry in ClinVar:

NM_000447.3(PSEN2):c.-356A>G

Genes: PSEN2 (presenilin 2; plus strand), LOC129932678 (ATAC-STARR-seq lymphoblastoid silent region 1893; plus strand). Cytogenetic location: 1q42.13.
Variant type: single nucleotide variant.
Coding change: c.-356A>G on transcript NM_000447.3 (MANE Select); 356 bases upstream of the start codon, A replaced by G.
Molecular consequence: 5 prime UTR variant.
Genome position (GRCh38, 1-based): chr1:226,870,643, A>G. VCF-style: chr1-226870643-A-G. GRCh37 (hg19) VCF-style: chr1-227058344-A-G.
Other names: c.-356A>G (NM_012486.3).
Identifiers: ClinVar variation 295980 (VCV000295980.6), dbSNP rs12758915, ClinGen allele CA10610170.

ClinVar aggregate classification (germline): Benign. Review status: criteria provided, multiple submitters, no conflicts (2 of 4 stars). 3 submissions from 2 submitters: Benign (3). Last evaluated 2018-01-12.

Conditions:
Dilated cardiomyopathy 1V (CMD1V). Identifiers: Orphanet 154, MedGen C3150958, MONDO:0013373, OMIM 613697.
Alzheimer disease 4 (AD4). Identifiers: Orphanet 1020, MedGen C1847200, MONDO:0011743, OMIM 606889.

Allele frequency attached by ClinVar (database versions not stated): gnomAD exomes 0.43878; TOPMed 0.49993; gnomAD 0.49997 and 0.50254; 1000 Genomes Project 30x 0.53810; 1000 Genomes Project 0.54054.
gnomAD v4.1: 76,188 of 151,934 alleles (50%); highest among the groups gnomAD compares: South Asian, 58%; 19,419 homozygotes.

Submissions (3):

Illumina Laboratory Services, Illumina
Classification: Benign for Dilated cardiomyopathy 1V. Last evaluated: 2018-01-12. Review status: criteria provided, single submitter. Criteria: ICSL Variant Classification Criteria 13 December 2019. Collection method: clinical testing. Allele origin: germline.
Comment: This variant was observed in the ICSL laboratory as part of a predisposition screen in an ostensibly healthy population. It had not been previously curated by ICSL or reported in the Human Gene Mutation Database (HGMD: prior to June 1st, 2018), and was therefore a candidate for classification through an automated scoring system. Utilizing variant allele frequency, disease prevalence and penetrance estimates, and inheritance mode, an automated score was calculated to assess if this variant is too frequent to cause the disease. Based on the score and internal cut-off values, a variant classified as benign is not then subjected to further curation. The score for this variant resulted in a classification of benign for this disease.

Illumina Laboratory Services, Illumina
Classification: Benign for Alzheimer disease 4. Last evaluated: 2018-01-12. Review status: criteria provided, single submitter. Criteria: ICSL Variant Classification Criteria 13 December 2019. Collection method: clinical testing. Allele origin: germline.
Comment: the same text as in the submission from Illumina Laboratory Services, Illumina above.

Breakthrough Genomics
Classification: Benign. Review status: criteria provided, single submitter. Criteria: ACMG Guidelines, 2015. Collection method: not provided. Allele origin: germline. Inheritance: Autosomal dominant inheritance. Affected: yes.